The following is an entry in ClinVar:

ClinVar aggregate classification (germline): Uncertain significance (1 of 4 stars; one submission).

Submission:

GeneDx
Classification: Uncertain significance. Last evaluated: 2023-11-02. Review status: criteria provided, single submitter. Criteria: GeneDx Variant Classification Process June 2021. Collection method: clinical testing. Allele origin: germline. Affected: yes.
Comment: Not observed at significant frequency in large population cohorts (gnomAD); Missense variants in this gene are often considered pathogenic (HGMD); In silico analysis supports that this missense variant does not alter protein structure/function; Has not been previously published as pathogenic or benign to our knowledge

NM_001184880.2(PCDH19):c.1639G>A (p.Ala547Thr)

Gene: PCDH19 (protocadherin 19; minus strand). Cytogenetic location: Xq22.1.
Variant type: single nucleotide variant.
Coding change: c.1639G>A on transcript NM_001184880.2 (MANE Select); coding-DNA position 1639, G replaced by A.
Protein change: p.Ala547Thr; replaces alanine 547 with threonine.
Molecular consequence: missense variant.
Genome position (GRCh38, 1-based): chrX:100,406,959, C>T on the plus strand (G>A on the coding strand, the complement: PCDH19 is on the minus strand). VCF-style: chrX-100406959-C-T. GRCh37 (hg19) VCF-style: chrX-99661957-C-T.
Other names: c.1639G>A, p.Ala547Thr (NM_001105243.2, NM_020766.3); short protein forms A547T.
Identifiers: ClinVar variation 3362045 (VCV003362045.1).